The following is an entry in ClinVar:

NM_002585.4(PBX1):c.113G>A (p.Gly38Glu)

Gene: PBX1 (PBX homeobox 1; plus strand). Cytogenetic location: 1q23.3.
Variant type: single nucleotide variant.
Coding change: c.113G>A on transcript NM_002585.4 (MANE Select); coding-DNA position 113, G replaced by A.
Protein change: p.Gly38Glu; replaces glycine 38 with glutamic acid.
Molecular consequence: missense variant. On other transcripts: 5 prime UTR variant (1).
Genome position (GRCh38, 1-based): chr1:164,559,935, G>A. VCF-style: chr1-164559935-G-A. GRCh37 (hg19) VCF-style: chr1-164529172-G-A.
Other names: c.113G>A, p.Gly38Glu (NM_001204961.2, NM_001204963.2, NM_001353131.2); c.-63G>A (NM_001353130.1); short protein forms G38E.
Identifiers: ClinVar variation 3209021 (VCV003209021.3), dbSNP rs370561885, ClinGen allele CA1219295.

ClinVar aggregate classification (germline): Uncertain significance. Review status: criteria provided, multiple submitters, no conflicts (2 of 4 stars). 2 submissions from 2 submitters: Uncertain significance (2). Last evaluated 2024-07-16.

Conditions:
Inborn genetic diseases. Identifiers: MedGen C0950123, MeSH D030342.

Allele frequency attached by ClinVar (database versions not stated): gnomAD 0.00002; gnomAD exomes 0.00002; ESP Exome Variant Server 0.00008; ExAC 0.00012.
gnomAD v4.1: 11 of 1,547,548 alleles (0.00071%); highest among the groups gnomAD compares: Admixed American, 0.02%; no homozygotes.

Submissions (2):

Labcorp Genetics (formerly Invitae), Labcorp
Classification: Uncertain significance. Last evaluated: 2024-07-16. Review status: criteria provided, single submitter. Criteria: Invitae Variant Classification Sherloc (09022015). Collection method: clinical testing. Allele origin: germline.
Comment: This sequence change replaces glycine, which is neutral and non-polar, with glutamic acid, which is acidic and polar, at codon 38 of the PBX1 protein (p.Gly38Glu). This variant is present in population databases (rs370561885, gnomAD 0.03%). This variant has not been reported in the literature in individuals affected with PBX1-related conditions. An algorithm developed to predict the effect of missense changes on protein structure and function (PolyPhen-2) suggests that this variant is likely to be disruptive. In summary, the available evidence is currently insufficient to determine the role of this variant in disease. Therefore, it has been classified as a Variant of Uncertain Significance.

Ambry Genetics
Classification: Uncertain significance for Inborn genetic diseases. Last evaluated: 2022-06-21. Review status: criteria provided, single submitter. Criteria: Ambry Variant Classification Scheme 2023. Collection method: clinical testing. Allele origin: germline.